The following is an entry in ClinVar:

ClinVar aggregate classification (germline): Pathogenic (1 of 4 stars; one submission).

Conditions:
Neurofibromatosis, type 1 (NF1). Also called: VON RECKLINGHAUSEN DISEASE; Peripheral type neurofibromatosis; NEUROFIBROMATOSIS, TYPE I, SOMATIC; Neurofibromatosis, type I. Identifiers: Orphanet 636, MedGen C0027831, MONDO:0018975, OMIM 162200. Disease mechanism: loss of function.

Submission:

Labcorp Genetics (formerly Invitae), Labcorp
Classification: Pathogenic for Neurofibromatosis, type 1. Last evaluated: 2025-02-20. Review status: criteria provided, single submitter. Criteria: Invitae Variant Classification Sherloc (09022015). Collection method: clinical testing. Allele origin: germline.
Comment: This sequence change creates a premature translational stop signal (p.His389Serfs*7) in the NF1 gene. It is expected to result in an absent or disrupted protein product. Loss-of-function variants in NF1 are known to be pathogenic (PMID: 10712197, 23913538). This variant is not present in population databases (gnomAD no frequency). This variant has not been reported in the literature in individuals affected with NF1-related conditions. For these reasons, this variant has been classified as Pathogenic.

Literature cited by the submitters: PubMed 10712197; PubMed 23913538.

NM_001042492.3(NF1):c.1163dup (p.His389fs)

Gene: NF1 (neurofibromin 1; plus strand). Cytogenetic location: 17q11.2.
Variant type: Duplication.
Coding change: c.1163dup on transcript NM_001042492.3 (MANE Select); coding-DNA position 1163, one base duplicated (C; older notation c.1163dupC).
Protein change: p.His389fs; shifts the reading frame from histidine 389.
Molecular consequence: frameshift variant.
Genome position (GRCh38, 1-based): chr17:31,201,137, C duplicated; the last of 3 consecutive C bases (chr17:31,201,135-31,201,137); duplicating any one gives the same sequence. VCF-style (leftmost placement, unchanged base first): chr17-31201134-G-GC. GRCh37 (hg19) VCF-style: chr17-29528152-G-GC.
Other names: c.1163dup, p.His389fs (NM_000267.4, NM_001128147.3); short protein forms H389fs.
Identifiers: ClinVar variation 4713560 (VCV004713560.1).